The following is an entry in ClinVar:

NM_015443.4(KANSL1):c.3289G>C (p.Ala1097Pro)

Gene: KANSL1 (KAT8 regulatory NSL complex subunit 1). Cytogenetic location: 17q21.31.
Variant type: single nucleotide variant.
Coding change: c.3289G>C on transcript NM_015443.4 (MANE Select); coding-DNA position 3289, G replaced by C.
Protein change: p.Ala1097Pro; replaces alanine 1097 with proline.
Molecular consequence: missense variant.
Genome position (GRCh38, 1-based): chr17:46,031,505, C>G on the plus strand (G>C on the coding strand, the complement: KANSL1 is on the minus strand). VCF-style: chr17-46031505-C-G. GRCh37 (hg19) VCF-style: chr17-44108871-C-G.
Other names: p.Ala1097Pro; c.3286G>C, p.Ala1096Pro (NM_001193465.2); c.3289G>C, p.Ala1097Pro (NM_001193466.2, NM_001379198.1); short protein forms A1097P, A1096P.
Identifiers: ClinVar variation 972304 (VCV000972304.11), dbSNP rs2077005160, ClinGen allele CA399985517.

ClinVar aggregate classification (germline): Conflicting classifications of pathogenicity. Review status: criteria provided, conflicting classifications (1 of 4 stars). 2 submissions from 2 submitters: Uncertain significance (1); Benign (1). Last evaluated 2024-04-12.

Conditions:
Koolen-de Vries syndrome (KDVS). Identifiers: Orphanet 96169, MedGen C1864871, MONDO:0012496, OMIM 610443.

gnomAD v4.1: 1 of 1,613,098 alleles (0.000062%); highest among the groups gnomAD compares: Admixed American, 0.0017%; no homozygotes.

Submissions (2):

Labcorp Genetics (formerly Invitae), Labcorp
Classification: Benign for Koolen-de Vries syndrome. Last evaluated: 2024-04-12. Review status: criteria provided, single submitter. Criteria: Invitae Variant Classification Sherloc (09022015). Collection method: clinical testing. Allele origin: germline.

Mayo Clinic Laboratories, Mayo Clinic
Classification: Uncertain significance. Last evaluated: 2022-09-28. Review status: criteria provided, single submitter. Criteria: ACMG Guidelines, 2015. Collection method: clinical testing. Allele origin: germline. Observed: 1 variant allele.
Comment: BP4, PM2